The following is an entry in ClinVar:

ClinVar aggregate classification (germline): Benign. Review status: criteria provided, multiple submitters, no conflicts (2 of 4 stars). 2 submissions from 2 submitters: Benign (2). Last evaluated 2019-04-19.

Allele frequency attached by ClinVar (database versions not stated): 1000 Genomes Project 0.03814; 1000 Genomes Project 30x 0.03873; ESP Exome Variant Server 0.04409; TOPMed 0.04988; ExAC 0.05524; gnomAD exomes 0.05801.

Submissions (2):

GeneDx
Classification: Benign. Last evaluated: 2019-04-19. Review status: criteria provided, single submitter. Criteria: GeneDx Variant Classification Process June 2021. Collection method: clinical testing. Allele origin: germline. Affected: yes.
Comment: This variant is associated with the following publications: (PMID: 30679340)

Breakthrough Genomics
Classification: Benign. Review status: criteria provided, single submitter. Criteria: ACMG Guidelines, 2015. Collection method: not provided. Allele origin: germline. Inheritance: Unknown mechanism. Affected: yes.

NM_148674.5(SMC1B):c.3165C>G (p.Phe1055Leu)

Gene: SMC1B (structural maintenance of chromosomes 1B; minus strand). Cytogenetic location: 22q13.31.
Variant type: single nucleotide variant.
Coding change: c.3165C>G on transcript NM_148674.5 (MANE Select); coding-DNA position 3165, C replaced by G.
Protein change: p.Phe1055Leu; replaces phenylalanine 1055 with leucine.
Molecular consequence: missense variant.
Genome position (GRCh38, 1-based): chr22:45,354,086, G>C on the plus strand (C>G on the coding strand, the complement: SMC1B is on the minus strand). VCF-style: chr22-45354086-G-C. GRCh37 (hg19) VCF-style: chr22-45749966-G-C.
Other names: c.3165C>G, p.Phe1055Leu (NM_001291501.2); short protein forms F1055L.
Identifiers: ClinVar variation 1253849 (VCV001253849.3), dbSNP rs61735519, ClinGen allele CA10285235.